The following is an entry in ClinVar:

ClinVar aggregate classification (germline): Pathogenic (1 of 4 stars; one submission).

Allele frequency attached by ClinVar (database versions not stated): gnomAD exomes below 0.00001.
gnomAD v4.1: 2 of 1,614,104 alleles (0.00012%); highest among the groups gnomAD compares: African/African-American, 0.0013%; no homozygotes.

Submission:

Athena Diagnostics
Classification: Pathogenic. Last evaluated: 2021-05-20. Review status: criteria provided, single submitter. Criteria: Athena Diagnostics criteria. Collection method: clinical testing. Allele origin: unknown.
Comment: This variant has not been reported in large, multi-ethnic general populations. This variant has been identified in at least one individual with clinical features associated with this gene. This variant alters a critical location within the protein, and is expected to severely affect function and cause disease. Greater than 90% of NOTCH3 pathogenic mutations associated with CADASIL involve the gain or loss of a cysteine residue within the epidermal growth factor (EGF)-like repeat domain (PMID: 32457593, 20301673).

Literature cited by the submitters: PubMed 33712516.

NM_000435.3(NOTCH3):c.1736G>A (p.Cys579Tyr)

Gene: NOTCH3 (notch receptor 3; minus strand). Cytogenetic location: 19p13.12.
Variant type: single nucleotide variant.
Coding change: c.1736G>A on transcript NM_000435.3 (MANE Select); coding-DNA position 1736, G replaced by A.
Protein change: p.Cys579Tyr; replaces cysteine 579 with tyrosine.
Molecular consequence: missense variant.
Genome position (GRCh38, 1-based): chr19:15,187,209, C>T on the plus strand (G>A on the coding strand, the complement: NOTCH3 is on the minus strand). VCF-style: chr19-15187209-C-T. GRCh37 (hg19) VCF-style: chr19-15298020-C-T.
Other names: short protein forms C579Y.
Identifiers: ClinVar variation 1256492 (VCV001256492.1), dbSNP rs2145433000, ClinGen allele CA404525029.